The following is an entry in ClinVar:

ClinVar aggregate classification (germline): Uncertain significance. Review status: criteria provided, multiple submitters, no conflicts (2 of 4 stars). 2 submissions from 2 submitters: Uncertain significance (2). Last evaluated 2020-03-01.

Conditions:
Frank-Ter Haar syndrome. Also called: TER HAAR SYNDROME; Borrone di Rocco Crovato syndrome; MELNICK-NEEDLES SYNDROME, AUTOSOMAL RECESSIVE; BORRONE DERMATOCARDIOSKELETAL SYNDROME. Identifiers: Orphanet 1266, Orphanet 137834, MedGen C1855305, MONDO:0009579, OMIM 249420.

Submissions (2):

CeGaT Center for Human Genetics Tuebingen
Classification: Uncertain significance. Last evaluated: 2020-03-01. Review status: criteria provided, single submitter. Criteria: CeGaT Center For Human Genetics Tuebingen Variant Classification Criteria Version 2. Collection method: clinical testing. Allele origin: germline. Affected: yes. Observed: 1 variant allele.

Baylor Genetics
Classification: Uncertain significance for Frank-Ter Haar syndrome. Last evaluated: 2019-09-20. Review status: criteria provided, single submitter. Criteria: ACMG Guidelines, 2015. Collection method: clinical testing. Allele origin: unknown. Affected: yes.
Comment: This variant was determined to be of uncertain significance according to ACMG Guidelines, 2015 [PMID:25741868].

NM_001017995.3(SH3PXD2B):c.2592C>A (p.Asp864Glu)

Gene: SH3PXD2B (SH3 and PX domains 2B; minus strand). Cytogenetic location: 5q35.1.
Variant type: single nucleotide variant.
Coding change: c.2592C>A on transcript NM_001017995.3 (MANE Select); coding-DNA position 2592, C replaced by A.
Protein change: p.Asp864Glu; replaces aspartic acid 864 with glutamic acid.
Molecular consequence: missense variant. On other transcripts: intron variant (1).
Genome position (GRCh38, 1-based): chr5:172,338,513, G>T on the plus strand (C>A on the coding strand, the complement: SH3PXD2B is on the minus strand). VCF-style: chr5-172338513-G-T. GRCh37 (hg19) VCF-style: chr5-171765517-G-T.
Other names: c.1188+7623C>A (NM_001308175.2); short protein forms D864E.
Identifiers: ClinVar variation 916348 (VCV000916348.41), dbSNP rs1756757651, ClinGen allele CA362145118.